The following is an entry in ClinVar:

NM_000179.3(MSH6):c.466T>C (p.Ser156Pro)

Gene: MSH6 (mutS homolog 6; plus strand). Cytogenetic location: 2p16.3.
Variant type: single nucleotide variant.
Coding change: c.466T>C on transcript NM_000179.3 (MANE Select); coding-DNA position 466, T replaced by C.
Protein change: p.Ser156Pro; replaces serine 156 with proline.
Molecular consequence: missense variant. On other transcripts: 5 prime UTR variant (5), non-coding transcript variant (5), intron variant (8).
Genome position (GRCh38, 1-based): chr2:47,795,902, T>C. VCF-style: chr2-47795902-T-C. GRCh37 (hg19) VCF-style: chr2-48023041-T-C.
Other names: c.-437T>C (NM_001281494.2); c.562T>C, p.Ser188Pro (NM_001406795.1, NM_001406802.1); c.466T>C, p.Ser156Pro (NM_001406796.1, NM_001406798.1, NM_001406800.1 and 5 more transcripts); c.169T>C, p.Ser57Pro (NM_001406797.1, NM_001406801.1, NM_001406805.1 and 10 more transcripts); c.-60T>C (NM_001406799.1, NM_001406806.1, NM_001406807.1); c.388T>C, p.Ser130Pro (NM_001406804.1); c.472T>C, p.Ser158Pro (NM_001406813.1); c.-529T>C (NM_001406814.1); and 3 more; short protein forms S100P, S130P, S156P, S158P, S188P, S57P.
Identifiers: ClinVar variation 4800187 (VCV004800187.1).

ClinVar aggregate classification (germline): Uncertain significance (1 of 4 stars; one submission).

Conditions:
Hereditary nonpolyposis colorectal neoplasms. Identifiers: MedGen C0009405, MeSH D003123.

Submission:

Labcorp Genetics (formerly Invitae), Labcorp
Classification: Uncertain significance for Hereditary nonpolyposis colorectal neoplasms. Last evaluated: 2025-08-06. Review status: criteria provided, single submitter. Criteria: Invitae Variant Classification Sherloc (09022015). Collection method: clinical testing. Allele origin: germline.
Comment: This sequence change replaces serine, which is neutral and polar, with proline, which is neutral and non-polar, at codon 156 of the MSH6 protein (p.Ser156Pro). This variant is not present in population databases (gnomAD no frequency). This variant has not been reported in the literature in individuals affected with MSH6-related conditions. Invitae Evidence Modeling of protein sequence and biophysical properties (such as structural, functional, and spatial information, amino acid conservation, physicochemical variation, residue mobility, and thermodynamic stability) indicates that this missense variant is not expected to disrupt MSH6 protein function with a negative predictive value of 95%. In summary, the available evidence is currently insufficient to determine the role of this variant in disease. Therefore, it has been classified as a Variant of Uncertain Significance.